The following continues an entry in ClinVar:

NM_004004.6(GJB2):c.-23+1G>A

Gene: GJB2. ClinVar aggregate classification (germline): Pathogenic/Likely pathogenic. Pathogenic (40); Likely pathogenic (1).

Submissions 25 to 40 of 49:

Laboratory for Molecular Medicine, Mass General Brigham Personalized Medicine
Classification: Pathogenic for Rare genetic deafness. Last evaluated: 2022-06-30. Review status: criteria provided, single submitter. Criteria: ACMG Guidelines, 2015. Collection method: clinical testing. Allele origin: germline.
Comment: The c.-23+1G>A variant in GJB2 has been reported in many probands with hearing loss (Denoyelle 1999 PMID: 10218527, Shahin 2002 PMID: 11935342, Sirmaci 2006 PMID: 17406097, Yuan 2010 PMID: 21122151, Barashkov 2011 PMID: 21776002). Most of these probands were homozygous or compound heterozygous. In addition, functional studies have shown that this variant disrupts splicing, yielding no detectable mRNA (Shahin 2002 PMID: 11935342). In summary, this variant meets our criteria to be classified as pathogenic. ACMG/AMP Criteria applied: PM3_VeryStrong; PS3.

Athena Diagnostics
Classification: Pathogenic. Last evaluated: 2022-03-23. Review status: criteria provided, single submitter. Criteria: Athena Diagnostics Criteria. Collection method: clinical testing. Allele origin: unknown.
Comment: This variant is expected to severely impact normal RNA splicing, and consequently, protein structure and/or function. The frequency of this variant in the general population is consistent with pathogenicity. The variant is a common founder originating from Eastern Siberia (PMID: 21776002). This variant is also referred to as IVS1+1G>A, -3170G>A, -3201G>A, -3179G>A, or -3172G>A in published literature. Assessment of experimental evidence suggests this variant results in abnormal protein function. RNA studies performed on patient lymphocytes yielded no detectable transcript (PMID: 11935342). In multiple individuals, this variant has been seen with a single recessive pathogenic variant in the same gene, suggesting this variant may also be pathogenic.

Baylor Genetics
Classification: Pathogenic for Autosomal dominant nonsyndromic hearing loss 3A. Last evaluated: 2022-03-23. Review status: criteria provided, single submitter. Criteria: ACMG Guidelines, 2015. Collection method: clinical testing. Allele origin: unknown.

GeneDx
Classification: Pathogenic. Last evaluated: 2021-11-03. Review status: criteria provided, single submitter. Criteria: GeneDx Variant Classification Process June 2021. Collection method: clinical testing. Allele origin: germline. Affected: yes.
Comment: Canonical splice site variant in a gene for which loss-of-function is a known mechanism of disease; Published functional studies indicate that this variant disrupts splicing and results in no gene transcription (Shahin et al., 2002); Also known IVS1+1G>A; This variant is associated with the following publications: (PMID: 24840842, 24959830, 25012701, 11935342, 31162818, 16650079, 32708339, 10218527, 24793888, 27843504, 27481527, 31160754, 21776002, 31980526, 32747562, 33096615, 29062245, 30030956, 30487145, 31346875, 31195736, 29907799, 30344259, 31541171, 30275481, 33105617)

Institute of Medical Genetics and Applied Genomics, University Hospital Tübingen
Classification: Pathogenic. Last evaluated: 2021-09-15. Review status: criteria provided, single submitter. Criteria: ACMG Guidelines, 2015. Collection method: clinical testing. Allele origin: germline. Inheritance: Autosomal recessive inheritance. Affected: yes.

Kariminejad - Najmabadi Pathology & Genetics Center
Classification: Pathogenic for Ear malformation. Last evaluated: 2021-07-10. Review status: criteria provided, single submitter. Criteria: ACMG Guidelines, 2015. Collection method: clinical testing. Allele origin: germline. Affected: yes.

Department of Otolaryngology – Head & Neck Surgery, Cochlear Implant Center
Classification: Pathogenic for Hearing impairment. Last evaluated: 2021-04-12. Review status: criteria provided, single submitter. Criteria: ClinGen HL ACMG Specifications v1. Collection method: clinical testing. Allele origin: germline. Affected: yes.
Comment: PVS1_Strong, PS1_Strong, PM3_Moderate, BP4_Supporting

INGEBI, INGEBI / CONICET
Classification: Pathogenic for Nonsyndromic hearing loss and deafness. Last evaluated: 2020-08-21. Review status: criteria provided, single submitter. Criteria: ClinGen HL ACMG Specifications v1. Collection method: clinical testing. Allele origin: germline. Inheritance: Autosomal recessive inheritance. Affected: yes. Observed: 2 variant alleles.
Comment: Based on ACMG/AMP guidelines and Hearing Loss Expert Panel specific criteria: the c.-23+1G>A variant in GJB2 gene is absent from population databases (gnomAD, GO-ESP, 1000 genomes) meeting PM2 criteria. This type of variant is predicted to generate a loss of the donor splicing site in GJB2 gene , which is a known mechanism of disease (PVS1). The c.-23+1G>A variant has been identified in trans with at least 4 pathogenic variants in hearing loss patients applying to PM3_VeryStrong rule (PMID: 10218527, 11313763, 16380907). It was demonstrated that this genetic variant disrupted splicing, yielding no detectable message by sequencing the cDNA from lymphoblastoid cell line of J3 from mutant allele, meeting PS3_Supporting criteria (PMID: 11935342). Therefore, the c.23-23+1G>A variant meets criteria to be classified as pathogenic for autosomal recessive non-syndromic hearing loss (PM2, PVS1, PM3_VerySrong, PS3_Supporting)

King Laboratory, University of Washington
Classification: Pathogenic for Autosomal recessive nonsyndromic hearing loss 1A. Last evaluated: 2020-08-01. Review status: criteria provided, single submitter. Criteria: Abu Rayyan A et al. (Proc Natl Acad Sci U S A 2020). Collection method: research. Allele origin: germline. Affected: yes.
Comment: Based on analysis of RNA from the patient, no transcript from the mutant allele was detectable (PMID: 11935342). The variant is not present in 1300 Palestinian controls and absent from gnomAD v2.1.1.

Myriad Genetics, Inc.
Classification: Pathogenic for Autosomal recessive nonsyndromic hearing loss 1A. Last evaluated: 2019-12-24. Review status: criteria provided, single submitter. Criteria: Myriad Women's Health Autosomal Recessive and X-Linked Classification Criteria (2019). Collection method: clinical testing. Allele origin: unknown.
Comment: NM_004004.5(GJB2):c.-23+1G>A is classified as pathogenic in the context of GJB2-related DFNB1 nonsyndromic hearing loss and deafness. Sources cited for classification include the following: PMID 21776002. Classification of NM_004004.5(GJB2):c.-23+1G>A is based on the following criteria: The variant is located at a canonical splice site, is expected to disrupt gene function and is reported in individuals with the relevant phenotype. Please note: this variant was assessed in the context of healthy population screening.

Genomic Diagnostic Laboratory, Division of Genomic Diagnostics, Children's Hospital of Philadelphia
Classification: Pathogenic for Deafness, autosomal recessive 1A. Last evaluated: 2017-05-09. Review status: criteria provided, single submitter. Criteria: DGD Variant Analysis Guidelines. Collection method: clinical testing. Allele origin: germline. Affected: yes and no. Observed: 11 variant alleles.

Women's Health and Genetics/Laboratory Corporation of America, LabCorp
Classification: Pathogenic for Autosomal recessive nonsyndromic hearing loss 1A. Last evaluated: 2016-10-24. Review status: criteria provided, single submitter. Criteria: LabCorp Variant Classification Summary - May 2015. Collection method: clinical testing. Allele origin: germline.
Comment: Variant summary: The GJB2 c.-23+1G>A variant (alternatively also known as IVS1+1G>A, -3170G>A, -3201G>A, -3179G>A, and -3172G>A) involves the alteration of the invariant splice donor site in intron 1. 5/5 splice prediction tools predict that this variant eliminates the 5' splicing donor site. The prediction result was confirmed by a functional study; RNA isolated from lymphocytes from the proband carrying c.-23-1G>A variant and subsequent sequencing of cDNA showed no transcript from this allele (Shahin_2002). This variant was found in 21/4256 control chromosomes at a frequency of 0.0049342, which does not exceed the estimated maximal expected allele frequency of a pathogenic GJB2 variant (0.025). This variant has been reported as one of the common pathogenic variants causing ARNSHL in literature with consistent genotype-phenotype data. The variant has also been postulated to originate from and to have a founder effect in central Asia (Barashkov_2011). Multiple clinical diagnostic laboratories/reputable databases have classified this variant as pathogenic. Taken together, this variant is classified as Pathogenic.

Genetic Services Laboratory, University of Chicago
Classification: Pathogenic for Hearing impairment. Last evaluated: 2013-02-08. Review status: criteria provided, single submitter. Criteria: ACMG Guidelines, 2007. Collection method: clinical testing. Allele origin: germline. Inheritance: Autosomal recessive inheritance. Affected: yes.

Baylor Genetics
Classification: Pathogenic for Autosomal recessive nonsyndromic hearing loss 1A; Autosomal recessive nonsyndromic hearing loss 1B. Review status: criteria provided, single submitter. Criteria: ACMG Guidelines, 2015. Collection method: clinical testing. Allele origin: germline.

Institute of Human Genetics, University Hospital of Duesseldorf
Classification: Pathogenic for Autosomal recessive nonsyndromic hearing loss 104. Review status: criteria provided, single submitter. Criteria: ACMG Guidelines, 2015. Collection method: not provided. Allele origin: germline. Inheritance: Autosomal recessive inheritance. Affected: yes.

Juno Genomics, Hangzhou Juno Genomics, Inc
Classification: Pathogenic for Autosomal recessive nonsyndromic hearing loss 1A. Review status: criteria provided, single submitter. Criteria: ACMG Guidelines, 2015. Collection method: clinical testing. Allele origin: germline.
Comment: Well-established in vitro or in vivo functional studies supportive of a damaging effect on the gene or gene product.;For recessive disorders, detected in trans with a pathogenic variant.